The following is an entry in ClinVar:

ClinVar aggregate classification (germline): Pathogenic (1 of 4 stars; one submission).

Submission:

Labcorp Genetics (formerly Invitae), Labcorp
Classification: Pathogenic. Last evaluated: 2024-10-21. Review status: criteria provided, single submitter. Criteria: Invitae Variant Classification Sherloc (09022015). Collection method: clinical testing. Allele origin: germline.
Comment: This sequence change creates a premature translational stop signal (p.Lys356Serfs*44) in the KMT2A gene. It is expected to result in an absent or disrupted protein product. Loss-of-function variants in KMT2A are known to be pathogenic (PMID: 22795537, 25810209, 29574747). This variant is not present in population databases (gnomAD no frequency). This variant has not been reported in the literature in individuals affected with KMT2A-related conditions. ClinVar contains an entry for this variant (Variation ID: 2009458). For these reasons, this variant has been classified as Pathogenic.

Literature cited by the submitters: PubMed 22795537; PubMed 25810209; PubMed 29574747.

NM_001197104.2(KMT2A):c.1065del (p.Lys356fs)

Gene: KMT2A (lysine methyltransferase 2A; plus strand). Cytogenetic location: 11q23.3.
Variant type: Deletion.
Coding change: c.1065del on transcript NM_001197104.2 (MANE Select); coding-DNA position 1065, one base deleted (T; older notation c.1065delT).
Protein change: p.Lys356fs; shifts the reading frame from lysine 356.
Molecular consequence: frameshift variant.
Genome position (GRCh38, 1-based): chr11:118,472,224, T deleted; the last of 2 consecutive T bases (chr11:118,472,223-118,472,224); deleting either gives the same sequence. VCF-style (leftmost placement, unchanged base first): chr11-118472222-AT-A. GRCh37 (hg19) VCF-style: chr11-118342937-AT-A.
Other names: c.1164delT, p.Lys389Serfs (NM_001412597.1); c.1065del, p.Lys356fs (NM_005933.4); short protein forms K356fs.
Identifiers: ClinVar variation 2009458 (VCV002009458.4), dbSNP rs2496795814, ClinGen allele CA2580083582.